The following is an entry in ClinVar:

ClinVar aggregate classification (germline): Uncertain significance (1 of 4 stars; one submission).

Allele frequency attached by ClinVar (database versions not stated): gnomAD exomes below 0.00001 and 0.00001; ExAC 0.00001; gnomAD 0.00001; TOPMed 0.00001.
gnomAD v4.1: 8 of 1,613,992 alleles (0.0005%); highest among the groups gnomAD compares: African/African-American, 0.0013%; no homozygotes.

Submission:

Labcorp Genetics (formerly Invitae), Labcorp
Classification: Uncertain significance. Last evaluated: 2024-06-26. Review status: criteria provided, single submitter. Criteria: Invitae Variant Classification Sherloc (09022015). Collection method: clinical testing. Allele origin: germline.
Comment: This sequence change replaces arginine, which is basic and polar, with glutamine, which is neutral and polar, at codon 1538 of the MTOR protein (p.Arg1538Gln). This variant is present in population databases (rs760642166, gnomAD 0.002%). This variant has not been reported in the literature in individuals affected with MTOR-related conditions. ClinVar contains an entry for this variant (Variation ID: 1492816). Advanced modeling of protein sequence and biophysical properties (such as structural, functional, and spatial information, amino acid conservation, physicochemical variation, residue mobility, and thermodynamic stability) performed at Invitae indicates that this missense variant is not expected to disrupt MTOR protein function with a negative predictive value of 95%. In summary, the available evidence is currently insufficient to determine the role of this variant in disease. Therefore, it has been classified as a Variant of Uncertain Significance.

NM_004958.4(MTOR):c.4613G>A (p.Arg1538Gln)

Genes: MTOR-AS1 (MTOR antisense RNA 1; plus strand), MTOR (mechanistic target of rapamycin kinase; minus strand). Cytogenetic location: 1p36.22.
Variant type: single nucleotide variant.
Coding change: c.4613G>A on transcript NM_004958.4 (MANE Select); coding-DNA position 4613, G replaced by A.
Protein change: p.Arg1538Gln; replaces arginine 1538 with glutamine.
Molecular consequence: missense variant.
Genome position (GRCh38, 1-based): chr1:11,146,749, C>T on the plus strand (G>A on the coding strand, the complement: MTOR is on the minus strand). VCF-style: chr1-11146749-C-T. GRCh37 (hg19) VCF-style: chr1-11206806-C-T.
Other names: c.4613G>A, p.Arg1538Gln (NM_001386500.1); c.3365G>A, p.Arg1122Gln (NM_001386501.1); short protein forms R1122Q, R1538Q.
Identifiers: ClinVar variation 1492816 (VCV001492816.6), dbSNP rs760642166, ClinGen allele CA589586.